The following is an entry in ClinVar:

NM_001267550.2(TTN):c.10844G>A (p.Ser3615Asn)

Gene: TTN (titin; minus strand). Cytogenetic location: 2q31.2.
Variant type: single nucleotide variant.
Coding change: c.10844G>A on transcript NM_001267550.2 (MANE Select); coding-DNA position 10844, G replaced by A.
Protein change: p.Ser3615Asn; replaces serine 3615 with asparagine.
Molecular consequence: missense variant. On other transcripts: intron variant (5).
Genome position (GRCh38, 1-based): chr2:178,756,632, C>T on the plus strand (G>A on the coding strand, the complement: TTN is on the minus strand). VCF-style: chr2-178756632-C-T. GRCh37 (hg19) VCF-style: chr2-179621359-C-T.
Other names: p.S3444N:AGT>AAT; c.10331G>A, p.Ser3444Asn (NM_133437.4); c.10165+2352G>A (NM_003319.4); c.10540+910G>A (NM_133432.3); c.10303+2352G>A (NM_133378.4, NM_001256850.1, NM_133379.5); short protein forms S3444N, S3615N.
Identifiers: ClinVar variation 203179 (VCV000203179.2), dbSNP rs794729588, ClinGen allele CA311596.

ClinVar aggregate classification (germline): Uncertain significance (1 of 4 stars; one submission).

Allele frequency attached by ClinVar (database versions not stated): gnomAD 0.00001; TOPMed 0.00001.
gnomAD v4.1: 20 of 1,613,636 alleles (0.0012%); highest among the groups gnomAD compares: Non-Finnish European, 0.0016%; no homozygotes.

Submission:

GeneDx
Classification: Uncertain significance. Last evaluated: 2015-08-14. Review status: criteria provided, single submitter. Criteria: GeneDx Variant Classification (06012015). Collection method: clinical testing. Allele origin: germline. Affected: yes.
Comment: Missense variants in the TTN gene are considered 'unclassified' if they are not previously reported in the literature and do not have >1% frequency in the population to be considered a polymorphism. Research indicates that truncating mutations in the TTN gene are expected to account for approximately 25% of familial and 18% of sporadic idiopathic DCM; however, truncating variants in the TTN gene have been reported in approximately 3% of reported control alleles. There has been little investigation into non-truncating variants. (Herman D et al. Truncations of titin causing dilated cardiomyopathy. N Eng J Med 366:619-628, 2012) The variant is found in DCM-CRDM panel(s).